The following is an entry in ClinVar:

NM_001308319.2(CHD9):c.4803G>A (p.Trp1601Ter)

Gene: CHD9 (chromodomain helicase DNA binding protein 9; plus strand). Cytogenetic location: 16q12.2.
Variant type: single nucleotide variant.
Coding change: c.4803G>A on transcript NM_001308319.2 (MANE Select); coding-DNA position 4803, G replaced by A.
Protein change: p.Trp1601Ter; replaces tryptophan 1601 with a stop codon.
Molecular consequence: nonsense.
Genome position (GRCh38, 1-based): chr16:53,273,711, G>A. VCF-style: chr16-53273711-G-A. GRCh37 (hg19) VCF-style: chr16-53307623-G-A.
Other names: c.4803G>A, p.Trp1601Ter (NM_001352127.3, NM_001382353.1, NM_025134.7); c.3381G>A, p.Trp1127Ter (NM_001352156.3, NM_001352157.3); c.3282G>A, p.Trp1094Ter (NM_001352158.3, NM_001382354.1, NM_001382355.1); short protein forms W1094*, W1127*, W1601*.
Identifiers: ClinVar variation 4681995 (VCV004681995.5).

ClinVar aggregate classification (germline): Uncertain significance (1 of 4 stars; one submission).

Submission:

CeGaT Center for Human Genetics Tuebingen
Classification: Uncertain significance. Last evaluated: 2025-12-01. Review status: criteria provided, single submitter. Criteria: CeGaT Center For Human Genetics Tuebingen Variant Classification Criteria Version 2. Collection method: clinical testing. Allele origin: germline. Affected: yes. Observed: 1 variant allele.
Comment: CHD9: PM2